The following is an entry in ClinVar:

NM_015915.5(ATL1):c.298G>T (p.Val100Phe)

Gene: ATL1 (atlastin GTPase 1; plus strand). Cytogenetic location: 14q22.1.
Variant type: single nucleotide variant.
Coding change: c.298G>T on transcript NM_015915.5 (MANE Select); coding-DNA position 298, G replaced by T.
Protein change: p.Val100Phe; replaces valine 100 with phenylalanine.
Molecular consequence: missense variant.
Genome position (GRCh38, 1-based): chr14:50,590,956, G>T. VCF-style: chr14-50590956-G-T. GRCh37 (hg19) VCF-style: chr14-51057674-G-T.
Other names: c.298G>T, p.Val100Phe (NM_001127713.1, NM_181598.4); short protein forms V100F.
Identifiers: ClinVar variation 1023705 (VCV001023705.8), dbSNP rs2039150272, ClinGen allele CA389666355.

ClinVar aggregate classification (germline): Uncertain significance (1 of 4 stars; one submission).

Conditions:
Hereditary spastic paraplegia 3A (SPG3A). Also called: Spastic Paraplegia 3A; SPASTIC PARAPLEGIA 3, AUTOSOMAL DOMINANT; FAMILIAL SPASTIC PARAPLEGIA, AUTOSOMAL DOMINANT, 1; SPG3; STRUMPELL DISEASE; Spastic paraplegia 3A, autosomal dominant. Identifiers: Orphanet 100984, MedGen C2931355, MONDO:0008437, OMIM 182600.

Submission:

Labcorp Genetics (formerly Invitae), Labcorp
Classification: Uncertain significance for Hereditary spastic paraplegia 3A. Last evaluated: 2020-10-09. Review status: criteria provided, single submitter. Criteria: Invitae Variant Classification Sherloc (09022015). Collection method: clinical testing. Allele origin: germline.
Comment: In summary, the available evidence is currently insufficient to determine the role of this variant in disease. Therefore, it has been classified as a Variant of Uncertain Significance. Advanced modeling of protein sequence and biophysical properties (such as structural, functional, and spatial information, amino acid conservation, physicochemical variation, residue mobility, and thermodynamic stability) performed at Invitae indicates that this missense variant is not expected to disrupt ATL1 protein function. This variant has not been reported in the literature in individuals with ATL1-related conditions. This variant is not present in population databases (ExAC no frequency). This sequence change replaces valine with phenylalanine at codon 100 of the ATL1 protein (p.Val100Phe). The valine residue is moderately conserved and there is a small physicochemical difference between valine and phenylalanine.